The following is an entry in ClinVar:

NM_016529.6(ATP8A2):c.1185+5G>A

Gene: ATP8A2 (ATPase phospholipid transporting 8A2). Cytogenetic location: 13q12.13.
Variant type: single nucleotide variant.
Coding change: c.1185+5G>A on transcript NM_016529.6 (MANE Select); 5 bases into the intron after coding-DNA position 1185, G replaced by A.
Molecular consequence: intron variant.
Genome position (GRCh38, 1-based): chr13:25,553,925, G>A. VCF-style: chr13-25553925-G-A. GRCh37 (hg19) VCF-style: chr13-26128063-G-A.
Other names: c.1065+5G>A (NM_001313741.1).
Identifiers: ClinVar variation 1683935 (VCV001683935.2), dbSNP rs1435254326, ClinGen allele CA2079666653.

ClinVar aggregate classification (germline): Likely pathogenic (1 of 4 stars; one submission).

Submission:

GeneDx
Classification: Likely pathogenic. Last evaluated: 2022-04-04. Review status: criteria provided, single submitter. Criteria: GeneDx Variant Classification Process June 2021. Collection method: clinical testing. Allele origin: germline. Affected: yes.
Comment: Not observed at significant frequency in large population cohorts (gnomAD); Intronic +5 splice site variant in a gene for which loss of function is a known mechanism of disease, and splice predictors support a deleterious effect; This variant is associated with the following publications: (PMID: 30012219)